The following is an entry in ClinVar:

ClinVar aggregate classification (germline): Uncertain significance (1 of 4 stars; one submission).

Submission:

Women's Health and Genetics/Laboratory Corporation of America, LabCorp
Classification: Uncertain significance. Last evaluated: 2024-09-04. Review status: criteria provided, single submitter. Criteria: LabCorp Variant Classification Summary - May 2015. Collection method: clinical testing. Allele origin: germline.
Comment: Variant summary: CACNA1C c.5520G>C (p.Lys1840Asn) results in a non-conservative amino acid change in the encoded protein sequence. Four of five in-silico tools predict a benign effect of the variant on protein function. The variant was absent in 247458 control chromosomes. The available data on variant occurrences in the general population are insufficient to allow any conclusion about variant significance. To our knowledge, no occurrence of c.5520G>C in individuals affected with Timothy Syndrome or other CACNA1C-related disorders and no experimental evidence demonstrating its impact on protein function have been reported. No submitters have cited clinical-significance assessments for this variant to ClinVar. Based on the evidence outlined above, the variant was classified as uncertain significance.

NM_000719.7(CACNA1C):c.5520G>C (p.Lys1840Asn)

Genes: CACNA1C (calcium voltage-gated channel subunit alpha1 C; plus strand), CACNA1C-AS1 (CACNA1C antisense RNA 1; minus strand). Cytogenetic location: 12p13.33.
Variant type: single nucleotide variant.
Coding change: c.5520G>C on transcript NM_000719.7 (MANE Select); coding-DNA position 5520, G replaced by C.
Protein change: p.Lys1840Asn; replaces lysine 1840 with asparagine.
Molecular consequence: missense variant.
Genome position (GRCh38, 1-based): chr12:2,682,625, G>C. VCF-style: chr12-2682625-G-C. GRCh37 (hg19) VCF-style: chr12-2791791-G-C.
Other names: c.5664G>C, p.Lys1888Asn (NM_001129827.2); c.5643G>C, p.Lys1881Asn (NM_001129829.2); c.5625G>C, p.Lys1875Asn (NM_001129830.3, NM_001167624.3); c.5604G>C, p.Lys1868Asn (NM_001129831.2); c.5580G>C, p.Lys1860Asn (NM_001129832.2); c.5577G>C, p.Lys1859Asn (NM_001129833.2, NM_001129834.2, NM_001129835.2); c.5571G>C, p.Lys1857Asn (NM_001129836.2); c.5544G>C, p.Lys1848Asn (NM_001129837.2, NM_001129838.2); and 6 more; short protein forms K1829N, K1837N, K1840N, K1846N, K1848N, K1857N, K1859N, K1860N.
Identifiers: ClinVar variation 3375063 (VCV003375063.1).